The following is an entry in ClinVar:

ClinVar aggregate classification (germline): Likely benign. Review status: criteria provided, multiple submitters, no conflicts (2 of 4 stars). 2 submissions from 2 submitters: Likely benign (2). Last evaluated 2025-01-01.

gnomAD v4.1: 90 of 1,551,418 alleles (0.0058%); highest among the groups gnomAD compares: African/African-American, 0.0096%; no homozygotes.

Submissions (2):

CeGaT Center for Human Genetics Tuebingen
Classification: Likely benign. Last evaluated: 2025-01-01. Review status: criteria provided, single submitter. Criteria: CeGaT Center For Human Genetics Tuebingen Variant Classification Criteria Version 2. Collection method: clinical testing. Allele origin: germline. Affected: yes. Observed: 1 variant allele.
Comment: SETD1B: BP4, BP7

Blueprint Genetics
Classification: Likely benign. Last evaluated: 2024-11-25. Review status: criteria provided, single submitter. Criteria: ACMG Guidelines, 2015. Collection method: clinical testing. Allele origin: germline.

NM_001353345.2(SETD1B):c.3144C>T (p.Ser1048=)

Gene: SETD1B (SET domain containing 1B, histone lysine methyltransferase; plus strand). Cytogenetic location: 12q24.31.
Variant type: single nucleotide variant.
Coding change: c.3144C>T on transcript NM_001353345.2 (MANE Select); coding-DNA position 3144, C replaced by T.
Protein change: p.Ser1048=; no amino-acid change (serine 1048 retained).
Molecular consequence: synonymous variant.
Genome position (GRCh38, 1-based): chr12:121,817,536, C>T. VCF-style: chr12-121817536-C-T. GRCh37 (hg19) VCF-style: chr12-122255442-C-T.
Identifiers: ClinVar variation 3770870 (VCV003770870.14).